The following is an entry in ClinVar:

ClinVar aggregate classification (germline): Benign (3 of 4 stars; one submission).

Conditions:
Breast-ovarian cancer, familial, susceptibility to, 1 (BROVCA1). Also called: BRCA1 Hereditary Breast and Ovarian Cancer; OVARIAN CANCER, SUSCEPTIBILITY TO. Identifiers: Orphanet 145, MedGen C2676676, MONDO:0011450, OMIM 604370. Disease mechanism: loss of function.

Allele frequency attached by ClinVar (database versions not stated): gnomAD 0.00270 and 0.00297; TOPMed 0.00311; 1000 Genomes Project 0.00359; 1000 Genomes Project 30x 0.00500.
gnomAD v4.1: 410 of 152,094 alleles (0.27%); highest among the groups gnomAD compares: African/African-American, 0.92%; no homozygotes.

Submission:

Evidence-based Network for the Interpretation of Germline Mutant Alleles (ENIGMA)
Classification: Benign for Breast-ovarian cancer, familial, susceptibility to, 1. Last evaluated: 2016-09-28. Review status: reviewed by expert panel. Criteria: ENIGMA BRCA1/2 Classification Criteria (2015). Collection method: curation. Allele origin: germline.
Comment: Class 1 not pathogenic based on frequency >1% in an outbred sampleset. Frequency 0.0106 (African), derived from 1000 genomes (2013-05-02).

NM_007294.4(BRCA1):c.5406+296G>A

Gene: BRCA1 (BRCA1 DNA repair associated; minus strand). Cytogenetic location: 17q21.31.
Variant type: single nucleotide variant.
Coding change: c.5406+296G>A on transcript NM_007294.4 (MANE Select); 296 bases into the intron after coding-DNA position 5406, G replaced by A.
Molecular consequence: intron variant.
Genome position (GRCh38, 1-based): chr17:43,048,825, C>T on the plus strand (G>A on the coding strand, the complement: BRCA1 is on the minus strand). VCF-style: chr17-43048825-C-T. GRCh37 (hg19) VCF-style: chr17-41200842-C-T.
Other names: c.5196+296G>A (NM_001407887.1, NM_001407889.1, NM_001407884.1 and 5 more transcripts); c.2088+296G>A (NM_001408408.1, NM_001408407.1, NM_001408406.1); c.5391+296G>A (NM_001407647.1); c.1968+296G>A (NM_001408446.1, NM_001408448.1, NM_001408445.1 and 2 more transcripts); c.1971+296G>A (NM_001408435.1, NM_001408444.1, NM_001408438.1 and 10 more transcripts); c.5274+296G>A (NM_001407691.1, NM_001407690.1); c.5277+296G>A (NM_001407685.1, NM_001407688.1, NM_001407682.1 and 5 more transcripts); c.5207-1122G>A (NM_001407940.1, NM_001407939.1); and 84 more.
Identifiers: ClinVar variation 264799 (VCV000264799.2), dbSNP rs73311445, ClinGen allele CA10588184.